The following is an entry in ClinVar:

NM_032043.3(BRIP1):c.267A>T (p.Ala89=)

Gene: BRIP1 (BRCA1 interacting DNA helicase 1; minus strand). Cytogenetic location: 17q23.2.
Variant type: single nucleotide variant.
Coding change: c.267A>T on transcript NM_032043.3 (MANE Select); coding-DNA position 267, A replaced by T.
Protein change: p.Ala89=; no amino-acid change (alanine 89 retained).
Molecular consequence: synonymous variant.
Genome position (GRCh38, 1-based): chr17:61,857,170, T>A on the plus strand (A>T on the coding strand, the complement: BRIP1 is on the minus strand). VCF-style: chr17-61857170-T-A. GRCh37 (hg19) VCF-style: chr17-59934531-T-A.
Identifiers: ClinVar variation 461123 (VCV000461123.17), dbSNP rs764027029, ClinGen allele CA501151410.

ClinVar aggregate classification (germline): Conflicting classifications of pathogenicity. Review status: criteria provided, conflicting classifications (1 of 4 stars). 5 submissions from 5 submitters: Uncertain significance (1); Benign (1); Likely benign (3). Last evaluated 2025-10-01.

Conditions:
Hereditary cancer-predisposing syndrome. Also called: Hereditary neoplastic syndrome; Neoplastic Syndromes, Hereditary; Tumor predisposition; Hereditary Cancer Syndrome. Identifiers: Orphanet 140162, MedGen C0027672, MeSH D009386, MONDO:0015356.
Fanconi anemia complementation group J. Also called: BRIP1-Related Fanconi Anemia. Identifiers: Orphanet 84, MedGen C1836860, MONDO:0012187, OMIM 609054.
Familial cancer of breast. Also called: BREAST CANCER, FAMILIAL; hereditary breast carcinoma; Hereditary breast cancer. Identifiers: Orphanet 227535, MedGen C0346153, MONDO:0016419, OMIM 114480. Disease mechanism: loss of function.

gnomAD v4.1: 3 of 1,613,984 alleles (0.00019%); highest among the groups gnomAD compares: South Asian, 0.0033%; no homozygotes.

Submissions (5):

Labcorp Genetics (formerly Invitae), Labcorp
Classification: Likely benign for Familial cancer of breast; Fanconi anemia complementation group J. Last evaluated: 2025-10-01. Review status: criteria provided, single submitter. Criteria: Invitae Variant Classification Sherloc (09022015). Collection method: clinical testing. Allele origin: germline.

Myriad Genetics, Inc.
Classification: Benign for Familial cancer of breast. Last evaluated: 2024-08-12. Review status: criteria provided, single submitter. Criteria: Myriad Autosomal Dominant, Autosomal Recessive and X-Linked Classification Criteria (2023). Collection method: clinical testing. Allele origin: unknown.
Comment: This variant is considered benign. This variant is a silent/synonymous amino acid change and it is not expected to impact splicing.

GeneDx
Classification: Uncertain significance. Last evaluated: 2023-10-31. Review status: criteria provided, single submitter. Criteria: GeneDx Variant Classification Process June 2021. Collection method: clinical testing. Allele origin: germline. Affected: yes.
Comment: Not observed at significant frequency in large population cohorts (gnomAD); Has not been previously published as pathogenic or benign to our knowledge; In silico analysis suggests this variant may impact gene splicing. In the absence of RNA/functional studies, the actual effect of this sequence change is unknown.

Ambry Genetics
Classification: Likely benign for Hereditary cancer-predisposing syndrome. Last evaluated: 2023-06-22. Review status: criteria provided, single submitter. Criteria: Ambry Variant Classification Scheme 2023. Collection method: clinical testing. Allele origin: germline.

Color Diagnostics, LLC DBA Color Health
Classification: Likely benign for Hereditary cancer-predisposing syndrome. Last evaluated: 2017-12-06. Review status: criteria provided, single submitter. Criteria: ACMG Guidelines, 2015. Collection method: clinical testing. Allele origin: germline.